The following is an entry in ClinVar:

ClinVar aggregate classification (germline): Uncertain significance (1 of 4 stars; one submission).

gnomAD v4.1: 1 of 1,614,078 alleles (0.000062%); highest among the groups gnomAD compares: Non-Finnish European, 0.000085%; no homozygotes.

Submission:

Labcorp Genetics (formerly Invitae), Labcorp
Classification: Uncertain significance. Last evaluated: 2022-11-08. Review status: criteria provided, single submitter. Criteria: Invitae Variant Classification Sherloc (09022015). Collection method: clinical testing. Allele origin: germline.
Comment: This variant has not been reported in the literature in individuals affected with LRRC8A-related conditions. This variant is not present in population databases (gnomAD no frequency). This sequence change replaces alanine, which is neutral and non-polar, with threonine, which is neutral and polar, at codon 373 of the LRRC8A protein (p.Ala373Thr). In summary, the available evidence is currently insufficient to determine the role of this variant in disease. Therefore, it has been classified as a Variant of Uncertain Significance. Algorithms developed to predict the effect of missense changes on protein structure and function (SIFT, PolyPhen-2, Align-GVGD) all suggest that this variant is likely to be disruptive. ClinVar contains an entry for this variant (Variation ID: 1399185).

NM_019594.4(LRRC8A):c.1117G>A (p.Ala373Thr)

Gene: LRRC8A (leucine rich repeat containing 8 VRAC subunit A; plus strand). Cytogenetic location: 9q34.11.
Variant type: single nucleotide variant.
Coding change: c.1117G>A on transcript NM_019594.4 (MANE Select); coding-DNA position 1117, G replaced by A.
Protein change: p.Ala373Thr; replaces alanine 373 with threonine.
Molecular consequence: missense variant.
Genome position (GRCh38, 1-based): chr9:128,908,281, G>A. VCF-style: chr9-128908281-G-A. GRCh37 (hg19) VCF-style: chr9-131670560-G-A.
Other names: c.1117G>A, p.Ala373Thr (NM_001127244.2, NM_001127245.2); short protein forms A373T.
Identifiers: ClinVar variation 1399185 (VCV001399185.8), dbSNP rs2131022022, ClinGen allele CA375079445.